The following is an entry in ClinVar:

ClinVar aggregate classification (germline): Uncertain significance (1 of 4 stars; one submission).

Conditions:
SCAPER-related disorder. Also called: SCAPER-related condition.

gnomAD v4.1: 16 of 1,610,036 alleles (0.00099%); highest among the groups gnomAD compares: Non-Finnish European, 0.0012%; no homozygotes.

Submission:

PreventionGenetics, part of Exact Sciences
Classification: Uncertain significance for SCAPER-related condition. Last evaluated: 2025-09-03. Review status: criteria provided, single submitter. Criteria: ACMG Guidelines, 2015. Collection method: clinical testing. Allele origin: germline.
Comment: The SCAPER c.2315A>G variant is predicted to result in the amino acid substitution p.Glu772Gly. To our knowledge, this variant has not been reported in the literature. This variant is reported in 0.0024% of alleles in individuals of European (Non-Finnish) descent in gnomAD. At this time, the clinical significance of this variant is uncertain due to the absence of conclusive functional and genetic evidence.

NM_020843.4(SCAPER):c.2297A>G (p.Glu766Gly)

Gene: SCAPER (S-phase cyclin A associated protein in the ER; minus strand). Cytogenetic location: 15q24.3.
Variant type: single nucleotide variant.
Coding change: c.2297A>G on transcript NM_020843.4 (MANE Select); coding-DNA position 2297, A replaced by G.
Protein change: p.Glu766Gly; replaces glutamic acid 766 with glycine.
Molecular consequence: missense variant. On other transcripts: non-coding transcript variant (1).
Genome position (GRCh38, 1-based): chr15:76,702,953, T>C on the plus strand (A>G on the coding strand, the complement: SCAPER is on the minus strand). VCF-style: chr15-76702953-T-C. GRCh37 (hg19) VCF-style: chr15-76995294-T-C.
Other names: c.1559A>G, p.Glu520Gly (NM_001145923.2); c.2315A>G, p.Glu772Gly (NM_001353009.2); c.1895A>G, p.Glu632Gly (NM_001353010.2, NM_001353012.2); c.1913A>G, p.Glu638Gly (NM_001353011.2); short protein forms E632G, E638G, E520G, E766G, E772G.
Identifiers: ClinVar variation 4979367 (VCV004979367.1).